The following is an entry in ClinVar:

NM_152703.5(SAMD9L):c.2476G>T (p.Asp826Tyr)

Gene: SAMD9L (sterile alpha motif domain containing 9 like; minus strand). Cytogenetic location: 7q21.2.
Variant type: single nucleotide variant.
Coding change: c.2476G>T on transcript NM_152703.5 (MANE Select); coding-DNA position 2476, G replaced by T.
Protein change: p.Asp826Tyr; replaces aspartic acid 826 with tyrosine.
Molecular consequence: missense variant.
Genome position (GRCh38, 1-based): chr7:93,133,496, C>A on the plus strand (G>T on the coding strand, the complement: SAMD9L is on the minus strand). VCF-style: chr7-93133496-C-A. GRCh37 (hg19) VCF-style: chr7-92762809-C-A.
Other names: c.2476G>T, p.Asp826Tyr (NM_001303498.3, NM_001303500.3, NM_001350082.2 and 5 more transcripts); short protein forms D826Y.
Identifiers: ClinVar variation 4159347 (VCV004159347.1).

ClinVar aggregate classification (germline): Uncertain significance (1 of 4 stars; one submission).

Conditions:
Inborn genetic diseases. Identifiers: MedGen C0950123, MeSH D030342.

gnomAD v4.1: 2 of 1,612,446 alleles (0.00012%); highest among the groups gnomAD compares: Non-Finnish European, 0.00017%; no homozygotes.

Submission:

Ambry Genetics
Classification: Uncertain significance for Inborn genetic diseases. Last evaluated: 2025-07-19. Review status: criteria provided, single submitter. Criteria: Ambry Variant Classification Scheme 2023. Collection method: clinical testing. Allele origin: germline.
Comment: The p.D826Y variant (also known as c.2476G>T), located in coding exon 1 of the SAMD9L gene, results from a G to T substitution at nucleotide position 2476. The aspartic acid at codon 826 is replaced by tyrosine, an amino acid with highly dissimilar properties. This amino acid position is conserved. In addition, this alteration is predicted to be tolerated by in silico analysis. Based on the available evidence, the clinical significance of this variant remains unclear.